The following is an entry in ClinVar:

ClinVar aggregate classification (germline): Pathogenic/Likely pathogenic. Review status: criteria provided, multiple submitters, no conflicts (2 of 4 stars). 2 submissions from 2 submitters: Pathogenic (1); Likely pathogenic (1). Last evaluated 2025-08-26.

Conditions:
Diamond-Blackfan anemia. Also called: Blackfan Diamond syndrome; Aregenerative anemia chronic congenital; Red cell aplasia, pure hereditary; Congenital hypoplastic anemia; Aase syndrome. Identifiers: Orphanet 124, MedGen C1260899, MeSH D029503, MONDO:0015253, HP:0004810.
Diamond-Blackfan anemia 7 (DBA7). Also called: RPL11-Related Diamond-Blackfan Anemia. Identifiers: Orphanet 124, MedGen C2675512, MONDO:0012938, OMIM 612562.

Submissions (2):

Labcorp Genetics (formerly Invitae), Labcorp
Classification: Pathogenic for Diamond-Blackfan anemia. Last evaluated: 2025-08-26. Review status: criteria provided, single submitter. Criteria: Invitae Variant Classification Sherloc (09022015). Collection method: clinical testing. Allele origin: germline.
Comment: This sequence change creates a premature translational stop signal (p.Lys8Profs*44) in the RPL11 gene. It is expected to result in an absent or disrupted protein product. Loss-of-function variants in RPL11 are known to be pathogenic (PMID: 19061985, 19773262). This variant is not present in population databases (gnomAD no frequency). This variant has not been reported in the literature in individuals affected with RPL11-related conditions. For these reasons, this variant has been classified as Pathogenic.

Revvity Omics, Revvity
Classification: Likely pathogenic for Diamond-Blackfan anemia 7. Last evaluated: 2024-11-11. Review status: criteria provided, single submitter. Criteria: ACMG Guidelines, 2015. Collection method: clinical testing. Allele origin: germline.

Literature cited by the submitters: PubMed 19061985 (cited by Labcorp Genetics (formerly Invitae), Labcorp); PubMed 19773262 (cited by Labcorp Genetics (formerly Invitae), Labcorp).

NM_000975.5(RPL11):c.18_25del (p.Lys8fs)

Gene: RPL11 (ribosomal protein L11; plus strand). Cytogenetic location: 1p36.11.
Variant type: Deletion.
Coding change: c.18_25del on transcript NM_000975.5 (MANE Select); coding-DNA positions 18 to 25, 8 bases deleted (TGAAAAGG; older notation c.18_25delTGAAAAGG).
Protein change: p.Lys8fs; shifts the reading frame from lysine 8.
Molecular consequence: frameshift variant.
Genome position (GRCh38, 1-based): chr1:23,692,620-23,692,627, TGAAAAGG deleted; deleting any 8 consecutive bases within chr1:23,692,616-23,692,627 gives the same sequence; the c. name uses the placement nearest the transcript's 3' end. VCF-style (leftmost placement, unchanged base first): chr1-23692615-CAAGGTGAA-C. GRCh37 (hg19) VCF-style: chr1-24019105-CAAGGTGAA-C.
Other names: c.15_22del, p.Lys7fs (NM_001199802.1); short protein forms K7fs, K8fs.
Identifiers: ClinVar variation 4077471 (VCV004077471.2).